The following is an entry in ClinVar:

NM_016042.4(EXOSC3):c.797_798del (p.Lys266fs)

Gene: EXOSC3 (exosome component 3; minus strand). Cytogenetic location: 9p13.2.
Variant type: Deletion.
Coding change: c.797_798del on transcript NM_016042.4 (MANE Select); coding-DNA positions 797 to 798, 2 bases deleted (AA; older notation c.797_798delAA).
Protein change: p.Lys266fs; shifts the reading frame from lysine 266.
Molecular consequence: frameshift variant. On other transcripts: 3 prime UTR variant (1).
Genome position (GRCh38, 1-based): chr9:37,780,709-37,780,710, TT deleted on the plus strand (AA on the coding strand, the reverse complement: EXOSC3 is on the minus strand); deleting any 2 consecutive bases within chr9:37,780,709-37,780,712 gives the same sequence; the c. name uses the placement nearest the transcript's 3' end. VCF-style (leftmost placement, unchanged base first): chr9-37780708-GTT-G. GRCh37 (hg19) VCF-style: chr9-37780705-GTT-G.
Other names: c.*150_*151del (NM_001002269.2); c.797_798delAA (NM_016042.4); short protein forms K266fs.
Identifiers: ClinVar variation 3366462 (VCV003366462.1).

ClinVar aggregate classification (germline): Uncertain significance (1 of 4 stars; one submission).

Submission:

Women's Health and Genetics/Laboratory Corporation of America, LabCorp
Classification: Uncertain significance. Last evaluated: 2024-08-06. Review status: criteria provided, single submitter. Criteria: LabCorp Variant Classification Summary - May 2015. Collection method: clinical testing. Allele origin: germline.
Comment: Variant summary: EXOSC3 c.797_798delAA (p.Lys266ThrfsX12) causes a frameshift which results in an extension of the protein. The variant was absent in 251330 control chromosomes. The available data on variant occurrences in the general population are insufficient to allow any conclusion about variant significance. To our knowledge, no occurrence of c.797_798delAA in individuals affected with Pontocerebellar Hypoplasia, Type 1B and no experimental evidence demonstrating its impact on protein function have been reported. No submitters have cited clinical-significance assessments for this variant to ClinVar. Based on the evidence outlined above, the variant was classified as uncertain significance.